The following is an entry in ClinVar:

ClinVar aggregate classification (germline): Likely benign. Review status: criteria provided, multiple submitters, no conflicts (2 of 4 stars). 2 submissions from 2 submitters: Likely benign (2). Last evaluated 2026-06-18.

Conditions:
Retinoblastoma (RB1). Also called: RETINOBLASTOMA, SOMATIC. Identifiers: Orphanet 790, MedGen C0035335, MeSH D012175, MONDO:0008380, OMIM 180200, HP:0009919. Disease mechanism: loss of function. Inheritance: Both sporadic and heritable forms are tested..

Submissions (2):

Myriad Genetics, Inc.
Classification: Likely benign for Retinoblastoma. Last evaluated: 2026-06-18. Review status: criteria provided, single submitter. Criteria: Myriad Autosomal Dominant, Autosomal Recessive and X-Linked Classification Criteria (2023). Collection method: clinical testing. Allele origin: unknown.
Comment: This variant is considered likely benign. This variant is intronic and is not expected to impact mRNA splicing.

Labcorp Genetics (formerly Invitae), Labcorp
Classification: Likely benign for Retinoblastoma. Last evaluated: 2019-09-23. Review status: criteria provided, single submitter. Criteria: Invitae Variant Classification Sherloc (09022015). Collection method: clinical testing. Allele origin: germline.

NM_000321.3(RB1):c.1216-9C>T

Gene: RB1 (RB transcriptional corepressor 1; plus strand). Cytogenetic location: 13q14.2.
Variant type: single nucleotide variant.
Coding change: c.1216-9C>T on transcript NM_000321.3 (MANE Select); 9 bases into the intron before coding-DNA position 1216, C replaced by T.
Molecular consequence: intron variant.
Genome position (GRCh38, 1-based): chr13:48,376,909, C>T. VCF-style: chr13-48376909-C-T. GRCh37 (hg19) VCF-style: chr13-48951045-C-T.
Identifiers: ClinVar variation 754616 (VCV000754616.11), dbSNP rs1593453956, ClinGen allele CA915948552.